The following is an entry in ClinVar:

ClinVar aggregate classification (germline): no classifications from unflagged records. Review status: no classifications from unflagged records (0 of 4 stars). 2 submissions from 2 submitters. 1 of the submissions does not count toward it. Last evaluated 2025-07-02.

Conditions:
Dicarboxylic aminoaciduria (DCBXA). Also called: GLUTAMATE-ASPARTATE TRANSPORT DEFECT. Identifiers: Orphanet 2195, MedGen C1857253, MONDO:0009110, OMIM 222730.
Schizophrenia 18 (SCZD18). Identifiers: MedGen C3808913, MONDO:0014092, OMIM 615232.

Submissions (2):

Fulgent Genetics
Classification: Likely pathogenic for Dicarboxylic aminoaciduria; Schizophrenia 18. Last evaluated: 2024-05-03. Review status: flagged submission. Criteria: ACMG Guidelines, 2015. Collection method: clinical testing. Allele origin: germline.
ClinVar note: Notes: Flagging candidate with reason of insufficient supporting evidence. This gene has been classified as having a limited gene-disease relationship by a ClinGen Expert Panel.
ClinVar note: Reason: P/LP classification for a variant in a gene with insufficient evidence for a gene-disease relationship

OMIM
Classification: Pathogenic for DICARBOXYLIC AMINOACIDURIA. Last evaluated: 2011-01-01. Review status: flagged submission. Collection method: literature only. Allele origin: germline. Not counted in ClinVar's aggregate classification.
ClinVar note: Notes: Flagging candidate with reason of insufficient supporting evidence. This gene has been classified as having a limited gene-disease relationship by a ClinGen Expert Panel.
ClinVar note: Reason: P/LP classification for a variant in a gene with insufficient evidence for a gene-disease relationship

Literature cited by the submitters: PubMed 21123949 (cited by OMIM).

NM_004170.6(SLC1A1):c.1181TCA[1] (p.Ile395del)

Gene: SLC1A1 (solute carrier family 1 member 1; plus strand). Cytogenetic location: 9p24.2.
Variant type: Microsatellite.
Coding change: c.1181TCA[1] on transcript NM_004170.6 (MANE Select); one copy of the 3-base unit TCA starting at c.1181; the reference has two copies in a row; one copy, 3 bases deleted; also written c.1184_1186del.
Protein change: p.Ile395del; deletes isoleucine 395.
Molecular consequence: inframe deletion.
Genome position (GRCh38, 1-based): chr9:4,576,754-4,576,756, TCA deleted; deleting any 3 consecutive bases within chr9:4,576,750-4,576,756 gives the same sequence; the position shown is the placement nearest the transcript's 3' end. VCF-style (leftmost placement, unchanged base first): chr9-4576749-GATC-G. GRCh37 (hg19) VCF-style: chr9-4576749-GATC-G.
Other names: c.1184_1186del (NM_004170.6); short protein forms I395del.
Identifiers: ClinVar variation 155860 (VCV000155860.3), dbSNP rs587777697, ClinGen allele CA170709.